The following is an entry in ClinVar:

ClinVar aggregate classification (germline): Uncertain significance (1 of 4 stars; one submission).

Conditions:
Familial cold autoinflammatory syndrome 3 (FCAS3). Also called: FAMILIAL ATYPICAL COLD URTICARIA; ANTIBODY DEFICIENCY AND IMMUNE DYSREGULATION, PLCG2-ASSOCIATED. Identifiers: Orphanet 300359, MedGen C3280914, MONDO:0013766, OMIM 614468.

Allele frequency attached by ClinVar (database versions not stated): TOPMed below 0.00001; gnomAD 0.00001; ExAC 0.00002; gnomAD exomes 0.00002.
gnomAD v4.1: 30 of 1,608,590 alleles (0.0019%); highest among the groups gnomAD compares: Non-Finnish European, 0.0025%; no homozygotes.

Submission:

Labcorp Genetics (formerly Invitae), Labcorp
Classification: Uncertain significance for Familial cold autoinflammatory syndrome 3. Last evaluated: 2023-11-28. Review status: criteria provided, single submitter. Criteria: Invitae Variant Classification Sherloc (09022015). Collection method: clinical testing. Allele origin: germline.
Comment: This sequence change replaces histidine, which is basic and polar, with arginine, which is basic and polar, at codon 641 of the PLCG2 protein (p.His641Arg). This variant is present in population databases (rs754649688, gnomAD 0.003%). This variant has not been reported in the literature in individuals affected with PLCG2-related conditions. An algorithm developed to predict the effect of missense changes on protein structure and function (PolyPhen-2) suggests that this variant is likely to be disruptive. In summary, the available evidence is currently insufficient to determine the role of this variant in disease. Therefore, it has been classified as a Variant of Uncertain Significance.

NM_002661.5(PLCG2):c.1922A>G (p.His641Arg)

Gene: PLCG2 (phospholipase C gamma 2; plus strand). Cytogenetic location: 16q23.3.
Variant type: single nucleotide variant.
Coding change: c.1922A>G on transcript NM_002661.5 (MANE Select); coding-DNA position 1922, A replaced by G.
Protein change: p.His641Arg; replaces histidine 641 with arginine.
Molecular consequence: missense variant.
Genome position (GRCh38, 1-based): chr16:81,910,708, A>G. VCF-style: chr16-81910708-A-G. GRCh37 (hg19) VCF-style: chr16-81944313-A-G.
Other names: c.1922A>G, p.His641Arg (NM_001425749.1, NM_001425750.1, NM_001425751.1); short protein forms H641R.
Identifiers: ClinVar variation 2788400 (VCV002788400.3), dbSNP rs754649688, ClinGen allele CA8193982.